The following is an entry in ClinVar:

NM_002887.4(RARS1):c.1168G>A (p.Ala390Thr)

Gene: RARS1 (arginyl-tRNA synthetase 1; plus strand). Cytogenetic location: 5q34.
Variant type: single nucleotide variant.
Coding change: c.1168G>A on transcript NM_002887.4 (MANE Select); coding-DNA position 1168, G replaced by A.
Protein change: p.Ala390Thr; replaces alanine 390 with threonine.
Molecular consequence: missense variant.
Genome position (GRCh38, 1-based): chr5:168,506,131, G>A. VCF-style: chr5-168506131-G-A. GRCh37 (hg19) VCF-style: chr5-167933136-G-A.
Other names: short protein forms A390T.
Identifiers: ClinVar variation 2053275 (VCV002053275.4), dbSNP rs2533385283, ClinGen allele CA362081912.

ClinVar aggregate classification (germline): Uncertain significance (1 of 4 stars; one submission).

Allele frequency attached by ClinVar (database versions not stated): gnomAD exomes below 0.00001.

Submission:

Labcorp Genetics (formerly Invitae), Labcorp
Classification: Uncertain significance. Last evaluated: 2022-06-04. Review status: criteria provided, single submitter. Criteria: Invitae Variant Classification Sherloc (09022015). Collection method: clinical testing. Allele origin: germline.
Comment: In summary, the available evidence is currently insufficient to determine the role of this variant in disease. Therefore, it has been classified as a Variant of Uncertain Significance. Algorithms developed to predict the effect of missense changes on protein structure and function are either unavailable or do not agree on the potential impact of this missense change (SIFT: "Deleterious"; PolyPhen-2: "Probably Damaging"; Align-GVGD: "Class C0"). This variant has not been reported in the literature in individuals affected with RARS-related conditions. This variant is not present in population databases (gnomAD no frequency). This sequence change replaces alanine, which is neutral and non-polar, with threonine, which is neutral and polar, at codon 390 of the RARS protein (p.Ala390Thr).